The following is an entry in ClinVar:

ClinVar aggregate classification (germline): Uncertain significance (1 of 4 stars; one submission).

Conditions:
Familial adenomatous polyposis 1 (FAP1). Also called: FAMILIAL ADENOMATOUS POLYPOSIS 1, ATTENUATED; POLYPOSIS, ADENOMATOUS INTESTINAL. Identifiers: MedGen C2713442, MONDO:0021056, OMIM 175100. Disease mechanism: loss of function.

Submission:

Labcorp Genetics (formerly Invitae), Labcorp
Classification: Uncertain significance for Familial adenomatous polyposis 1. Last evaluated: 2021-02-03. Review status: criteria provided, single submitter. Criteria: Invitae Variant Classification Sherloc (09022015). Collection method: clinical testing. Allele origin: germline.
Comment: Algorithms developed to predict the effect of missense changes on protein structure and function (SIFT, PolyPhen-2, Align-GVGD) all suggest that this variant is likely to be tolerated, but these predictions have not been confirmed by published functional studies and their clinical significance is uncertain. This variant has not been reported in the literature in individuals with APC-related conditions. This variant is not present in population databases (ExAC no frequency). This sequence change replaces arginine with proline at codon 94 of the APC protein (p.Arg94Pro). The arginine residue is highly conserved and there is a moderate physicochemical difference between arginine and proline. In summary, the available evidence is currently insufficient to determine the role of this variant in disease. Therefore, it has been classified as a Variant of Uncertain Significance.

NM_000038.6(APC):c.281G>C (p.Arg94Pro)

Gene: APC (APC regulator of Wnt signaling pathway; plus strand). Cytogenetic location: 5q22.2.
Variant type: single nucleotide variant.
Coding change: c.281G>C on transcript NM_000038.6 (MANE Select); coding-DNA position 281, G replaced by C.
Protein change: p.Arg94Pro; replaces arginine 94 with proline.
Molecular consequence: missense variant. On other transcripts: 5 prime UTR variant (1).
Genome position (GRCh38, 1-based): chr5:112,767,249, G>C. VCF-style: chr5-112767249-G-C. GRCh37 (hg19) VCF-style: chr5-112102946-G-C.
Other names: c.281G>C, p.Arg94Pro (NM_001127510.3, NM_001354895.2, NM_001354896.2 and 2 more transcripts); c.311G>C, p.Arg104Pro (NM_001127511.3, NM_001354897.2, NM_001354902.2); c.206G>C, p.Arg69Pro (NM_001354898.2, NM_001354904.2); c.104G>C, p.Arg35Pro (NM_001354900.2, NM_001354901.2, NM_001354905.2); c.-755G>C (NM_001354906.2); short protein forms R35P, R69P, R104P, R94P.
Identifiers: ClinVar variation 1478924 (VCV001478924.8), dbSNP rs774229223, ClinGen allele CA16021948.
Genomic context (GRCh38, chr5:112,767,249, plus strand): 5'-AGCTTAACTTAGATAGCAGTAATTTCCCTGGAGTAAAACTGCGGTCAAAAATGTCCCTCC[G>C]TTCTTATGGAAGCCGGGAAGGATCTGTATCAAGCCGTTCTGGAGAGTGCAGTCCTGTTCC-3'
Protein context (NP_000029.2, residues 84-104): GVKLRSKMSL[Arg94Pro]SYGSREGSVS